The following is an entry in ClinVar:

ClinVar aggregate classification (germline): Uncertain significance (1 of 4 stars; one submission).

Conditions:
Gorlin syndrome. Also called: Basal cell nevus syndrome; Nevoid Basal Cell Carcinoma Syndrome. Identifiers: Orphanet 377, MedGen C0004779, MONDO:0007187.

Submission:

Labcorp Genetics (formerly Invitae), Labcorp
Classification: Uncertain significance for Gorlin syndrome. Last evaluated: 2019-10-23. Review status: criteria provided, single submitter. Criteria: Invitae Variant Classification Sherloc (09022015). Collection method: clinical testing. Allele origin: germline.
Comment: In summary, the available evidence is currently insufficient to determine the role of this variant in disease. Therefore, it has been classified as a Variant of Uncertain Significance. This sequence change replaces leucine with proline at codon 1234 of the PTCH1 protein (p.Leu1234Pro). The leucine residue is weakly conserved and there is a moderate physicochemical difference between leucine and proline. This variant is not present in population databases (ExAC no frequency). This variant has not been reported in the literature in individuals with PTCH1-related conditions. Algorithms developed to predict the effect of missense changes on protein structure and function are either unavailable or do not agree on the potential impact of this missense change (SIFT: "Deleterious"; PolyPhen-2: "Benign"; Align-GVGD: "Class C0").

NM_000264.5(PTCH1):c.3701T>C (p.Leu1234Pro)

Gene: PTCH1 (patched 1; minus strand). Cytogenetic location: 9q22.32.
Variant type: single nucleotide variant.
Coding change: c.3701T>C on transcript NM_000264.5 (MANE Select); coding-DNA position 3701, T replaced by C.
Protein change: p.Leu1234Pro; replaces leucine 1234 with proline.
Molecular consequence: missense variant. On other transcripts: non-coding transcript variant (1).
Genome position (GRCh38, 1-based): chr9:95,449,172, A>G on the plus strand (T>C on the coding strand, the complement: PTCH1 is on the minus strand). VCF-style: chr9-95449172-A-G. GRCh37 (hg19) VCF-style: chr9-98211454-A-G.
Other names: c.3503T>C, p.Leu1168Pro (NM_001083602.3); c.3698T>C, p.Leu1233Pro (NM_001083603.3); c.3248T>C, p.Leu1083Pro (NM_001083604.3, NM_001083605.3, NM_001083606.3 and 1 more transcripts); c.3545T>C, p.Leu1182Pro (NM_001354918.2); short protein forms L1168P, L1182P, L1083P, L1233P, L1234P.
Identifiers: ClinVar variation 954754 (VCV000954754.10), dbSNP rs1838217335, ClinGen allele CA374111113.